The following is an entry in ClinVar:

ClinVar aggregate classification (germline): Uncertain significance (1 of 4 stars; one submission).

Submission:

GeneDx
Classification: Uncertain significance. Last evaluated: 2019-09-04. Review status: criteria provided, single submitter. Criteria: GeneDx Variant Classification Process June 2021. Collection method: clinical testing. Allele origin: germline. Affected: yes.
Comment: Not observed in large population cohorts (Lek et al., 2016); In-frame duplication of 1 amino acids in a non-repeat region; Has not been previously published as pathogenic or benign to our knowledge

NM_001267550.2(TTN):c.90245_90247dup (p.Ile30082dup)

Genes: TTN (titin; minus strand), TTN-AS1 (TTN antisense RNA 1; plus strand). Cytogenetic location: 2q31.2.
Variant type: Duplication.
Coding change: c.90245_90247dup on transcript NM_001267550.2 (MANE Select); coding-DNA positions 90245 to 90247, 3 bases duplicated (TAA; older notation c.90245_90247dupTAA).
Protein change: p.Ile30082dup; duplicates isoleucine 30082.
Molecular consequence: inframe insertion.
Genome position (GRCh38, 1-based): chr2:178,552,653-178,552,655, TTA duplicated on the plus strand (TAA on the coding strand, the reverse complement: TTN is on the minus strand); duplicating any 3 consecutive bases within chr2:178,552,653-178,552,656 gives the same sequence; the c. name uses the placement nearest the transcript's 3' end. VCF-style (leftmost placement, unchanged base first): chr2-178552652-C-CTTA. GRCh37 (hg19) VCF-style: chr2-179417379-C-CTTA.
Other names: c.85322_85324dup, p.Ile28441dup (NM_001256850.1); c.63050_63052dup, p.Ile21017dup (NM_003319.4); c.82541_82543dup, p.Ile27514dup (NM_133378.4); c.63425_63427dup, p.Ile21142dup (NM_133432.3); c.63626_63628dup, p.Ile21209dup (NM_133437.4).
Identifiers: ClinVar variation 1309251 (VCV001309251.2), dbSNP rs1227910087, ClinGen allele CA761287210.